The following is an entry in ClinVar:

ClinVar aggregate classification (germline): Uncertain significance (1 of 4 stars; one submission).

Conditions:
Congenital myasthenic syndrome 8. Also called: Myasthenic syndrome, congenital, 8, with pre- and postsynaptic defects; MYASTHENIC SYNDROME, CONGENITAL, DUE TO AGRIN DEFICIENCY. Identifiers: Orphanet 590, MedGen C3808739, MONDO:0014052, OMIM 615120.

Allele frequency attached by ClinVar (database versions not stated): gnomAD exomes below 0.00001; TOPMed below 0.00001; gnomAD 0.00002.
gnomAD v4.1: 5 of 1,568,756 alleles (0.00032%); highest among the groups gnomAD compares: East Asian, 0.0046%; no homozygotes.

Submission:

Labcorp Genetics (formerly Invitae), Labcorp
Classification: Uncertain significance for Congenital myasthenic syndrome 8. Last evaluated: 2022-06-20. Review status: criteria provided, single submitter. Criteria: Invitae Variant Classification Sherloc (09022015). Collection method: clinical testing. Allele origin: germline.
Comment: In summary, the available evidence is currently insufficient to determine the role of this variant in disease. Therefore, it has been classified as a Variant of Uncertain Significance. Algorithms developed to predict the effect of missense changes on protein structure and function output the following: SIFT: "Deleterious"; PolyPhen-2: "Benign"; Align-GVGD: "Class C0". The methionine amino acid residue is found in multiple mammalian species, which suggests that this missense change does not adversely affect protein function. ClinVar contains an entry for this variant (Variation ID: 474151). This variant has not been reported in the literature in individuals affected with AGRN-related conditions. This variant is present in population databases (no rsID available, gnomAD 0.01%). This sequence change replaces valine, which is neutral and non-polar, with methionine, which is neutral and non-polar, at codon 1808 of the AGRN protein (p.Val1808Met).

NM_198576.4(AGRN):c.5422G>A (p.Val1808Met)

Gene: AGRN (agrin; plus strand). Cytogenetic location: 1p36.33.
Variant type: single nucleotide variant.
Coding change: c.5422G>A on transcript NM_198576.4 (MANE Select); coding-DNA position 5422, G replaced by A.
Protein change: p.Val1808Met; replaces valine 1808 with methionine.
Molecular consequence: missense variant.
Genome position (GRCh38, 1-based): chr1:1,051,504, G>A. VCF-style: chr1-1051504-G-A. GRCh37 (hg19) VCF-style: chr1-986884-G-A.
Other names: c.5434G>A, p.Val1812Met (NM_001305275.2); c.5119G>A, p.Val1707Met (NM_001364727.2); short protein forms V1808M, V1707M, V1812M.
Identifiers: ClinVar variation 474151 (VCV000474151.11), dbSNP rs1356478300, ClinGen allele CA337781514.